The following is an entry in ClinVar:

NM_022437.3(ABCG8):c.1852G>C (p.Gly618Arg)

Gene: ABCG8 (ATP binding cassette subfamily G member 8; plus strand). Cytogenetic location: 2p21.
Variant type: single nucleotide variant.
Coding change: c.1852G>C on transcript NM_022437.3 (MANE Select); coding-DNA position 1852, G replaced by C.
Protein change: p.Gly618Arg; replaces glycine 618 with arginine.
Molecular consequence: missense variant.
Genome position (GRCh38, 1-based): chr2:43,877,656, G>C. VCF-style: chr2-43877656-G-C. GRCh37 (hg19) VCF-style: chr2-44104795-G-C.
Other names: c.1849G>C, p.Gly617Arg (NM_001357321.2); c.1852G>C (NM_022437.2); short protein forms G618R, G617R.
Identifiers: ClinVar variation 499212 (VCV000499212.6), dbSNP rs200005264, ClinGen allele CA346670951.

ClinVar aggregate classification (germline): Uncertain significance. Review status: criteria provided, multiple submitters, no conflicts (2 of 4 stars). 2 submissions from 2 submitters: Uncertain significance (2). Last evaluated 2023-10-15.

Conditions:
Cardiovascular phenotype. Identifiers: MedGen CN230736.

gnomAD v4.1: 1 of 1,614,070 alleles (0.000062%); no homozygotes.

Submissions (2):

Ambry Genetics
Classification: Uncertain significance for Cardiovascular phenotype. Last evaluated: 2023-10-15. Review status: criteria provided, single submitter. Criteria: Ambry Variant Classification Scheme 2023. Collection method: clinical testing. Allele origin: germline.
Comment: The p.G618R variant (also known as c.1852G>C), located in coding exon 12 of the ABCG8 gene, results from a G to C substitution at nucleotide position 1852. The glycine at codon 618 is replaced by arginine, an amino acid with dissimilar properties. This amino acid position is conserved. In addition, the in silico prediction for this alteration is inconclusive. Since supporting evidence is limited at this time, the clinical significance of this alteration remains unclear.

Eurofins Ntd Llc (ga)
Classification: Uncertain significance. Last evaluated: 2016-12-09. Review status: criteria provided, single submitter. Criteria: EGL Classification Definitions 2015. Collection method: clinical testing. Allele origin: germline. Observed: 1 variant allele, 1 heterozygote.